The following is an entry in ClinVar:

ClinVar aggregate classification (germline): Likely pathogenic (1 of 4 stars; one submission).

Conditions:
Zellweger spectrum disorders (ZS). Also called: Zellweger Spectrum Disorder; Zellweger Spectrum; Zellweger Spectrum Disorder (ZSD); Zellweger syndrome. Identifiers: Orphanet 912, MedGen C0043459, MONDO:0019609.

Submission:

Labcorp Genetics (formerly Invitae), Labcorp
Classification: Likely pathogenic for Zellweger spectrum disorders. Last evaluated: 2025-02-20. Review status: criteria provided, single submitter. Criteria: Invitae Variant Classification Sherloc (09022015). Collection method: clinical testing. Allele origin: germline.
Comment: This sequence change replaces asparagine, which is neutral and polar, with lysine, which is basic and polar, at codon 77 of the PEX1 protein (p.Asn77Lys). This variant is not present in population databases (gnomAD no frequency). This missense change has been observed in individual(s) with clinical features of autosomal recessive PEX1-related conditions (internal data). In at least one individual the data is consistent with being in trans (on the opposite chromosome) from a pathogenic variant. Invitae Evidence Modeling of protein sequence and biophysical properties (such as structural, functional, and spatial information, amino acid conservation, physicochemical variation, residue mobility, and thermodynamic stability) indicates that this missense variant is expected to disrupt PEX1 protein function with a positive predictive value of 95%. In summary, the currently available evidence indicates that the variant is pathogenic, but additional data are needed to prove that conclusively. Therefore, this variant has been classified as Likely Pathogenic.

NM_000466.3(PEX1):c.231C>A (p.Asn77Lys)

Gene: PEX1 (peroxisomal biogenesis factor 1; minus strand). Cytogenetic location: 7q21.2.
Variant type: single nucleotide variant.
Coding change: c.231C>A on transcript NM_000466.3 (MANE Select); coding-DNA position 231, C replaced by A.
Protein change: p.Asn77Lys; replaces asparagine 77 with lysine.
Molecular consequence: missense variant. On other transcripts: 5 prime UTR variant (1).
Genome position (GRCh38, 1-based): chr7:92,522,144, G>T on the plus strand (C>A on the coding strand, the complement: PEX1 is on the minus strand). VCF-style: chr7-92522144-G-T. GRCh37 (hg19) VCF-style: chr7-92151458-G-T.
Other names: c.231C>A, p.Asn77Lys (NM_001282677.2); c.-429C>A (NM_001282678.2); short protein forms N77K.
Identifiers: ClinVar variation 3720564 (VCV003720564.2).